The following is an entry in ClinVar:

ClinVar aggregate classification (germline): Likely benign (1 of 4 stars; one submission).

Conditions:
ABCA4-related disorder. Also called: ABCA4-related condition; ABCA4-related disorders. Identifiers: MedGen CN239167.

gnomAD v4.1: 3 of 152,226 alleles (0.002%); highest among the groups gnomAD compares: South Asian, 0.021%; no homozygotes.

Submission:

PreventionGenetics, part of Exact Sciences
Classification: Likely benign for ABCA4-related condition. Last evaluated: 2025-03-18. Review status: criteria provided, single submitter. Criteria: ACMG Guidelines, 2015. Collection method: clinical testing. Allele origin: germline.
Comment: This variant is classified as likely benign based on ACMG/AMP sequence variant interpretation guidelines (Richards et al. 2015 PMID: 25741868, with internal and published modifications).

NM_000350.3(ABCA4):c.570+1792A>C

Gene: ABCA4 (ATP binding cassette subfamily A member 4; minus strand). Cytogenetic location: 1p22.1.
Variant type: single nucleotide variant.
Coding change: c.570+1792A>C on transcript NM_000350.3 (MANE Select); 1792 bases into the intron after coding-DNA position 570, A replaced by C.
Molecular consequence: intron variant.
Genome position (GRCh38, 1-based): chr1:94,101,223, T>G on the plus strand (A>C on the coding strand, the complement: ABCA4 is on the minus strand). VCF-style: chr1-94101223-T-G. GRCh37 (hg19) VCF-style: chr1-94566779-T-G.
Other names: c.570+1792A>C (NM_001425324.1).
Identifiers: ClinVar variation 4984561 (VCV004984561.1).